The following is an entry in ClinVar:

NM_000219.6(KCNE1):c.341C>A (p.Ala114Asp)

Gene: KCNE1 (potassium voltage-gated channel subfamily E regulatory subunit 1; minus strand). Cytogenetic location: 21q22.12.
Variant type: single nucleotide variant.
Coding change: c.341C>A on transcript NM_000219.6 (MANE Select); coding-DNA position 341, C replaced by A.
Protein change: p.Ala114Asp; replaces alanine 114 with aspartic acid.
Molecular consequence: missense variant.
Genome position (GRCh38, 1-based): chr21:34,449,294, G>T on the plus strand (C>A on the coding strand, the complement: KCNE1 is on the minus strand). VCF-style: chr21-34449294-G-T. GRCh37 (hg19) VCF-style: chr21-35821592-G-T.
Other names: c.341C>A, p.Ala114Asp (NM_001127668.4, NM_001127669.4, NM_001127670.4 and 4 more transcripts); short protein forms A114D.
Identifiers: ClinVar variation 3374686 (VCV003374686.2).

Conditions:
Long QT syndrome 5 (LQT5). Identifiers: Orphanet 101016, Orphanet 768, MedGen C1867904, MONDO:0013372, OMIM 613695.

Submission:

Roden Lab, Vanderbilt University Medical Center
No classification provided (evidence only). Condition: Long QT syndrome 5. Review status: no classification provided. Collection method: in vitro. Allele origin: not applicable. Functional consequence: Effect on ion channel function.
ClinVar note: "not provided" was previously submitted as the classification for the variant. However, the classification appeared to be based only on an observation of functional data so it was converted to no classification on 2025-07-30.